The following is an entry in ClinVar:

NM_152743.4(BRAT1):c.1378C>G (p.Pro460Ala)

Gene: BRAT1 (BRCA1 associated ATM activator 1; minus strand). Cytogenetic location: 7p22.3.
Variant type: single nucleotide variant.
Coding change: c.1378C>G on transcript NM_152743.4 (MANE Select); coding-DNA position 1378, C replaced by G.
Protein change: p.Pro460Ala; replaces proline 460 with alanine.
Molecular consequence: missense variant. On other transcripts: non-coding transcript variant (1).
Genome position (GRCh38, 1-based): chr7:2,540,996, G>C on the plus strand (C>G on the coding strand, the complement: BRAT1 is on the minus strand). VCF-style: chr7-2540996-G-C. GRCh37 (hg19) VCF-style: chr7-2580630-G-C.
Other names: c.1378C>G, p.Pro460Ala (NM_001350626.2); c.853C>G, p.Pro285Ala (NM_001350627.2); short protein forms P460A, P285A.
Identifiers: ClinVar variation 472937 (VCV000472937.8), dbSNP rs373935601, ClinGen allele CA366628684.

ClinVar aggregate classification (germline): Uncertain significance (1 of 4 stars; one submission).

Conditions:
Neonatal-onset encephalopathy with rigidity and seizures. Also called: Lethal neonatal spasticity-epileptic encephalopathy syndrome. Identifiers: Orphanet 435845, MedGen C3281029, MONDO:0013784, OMIM 614498.

Submission:

Labcorp Genetics (formerly Invitae), Labcorp
Classification: Uncertain significance for Neonatal-onset encephalopathy with rigidity and seizures. Last evaluated: 2017-05-03. Review status: criteria provided, single submitter. Criteria: Invitae Variant Classification Sherloc (09022015). Collection method: clinical testing. Allele origin: germline.
Comment: This sequence change replaces proline with alanine at codon 460 of the BRAT1 protein (p.Pro460Ala). The proline residue is highly conserved and there is a small physicochemical difference between proline and alanine. This variant is not present in population databases (ExAC no frequency) and has not been reported in the literature in individuals with a BRAT1-related disease. Algorithms developed to predict the effect of missense changes on protein structure and function (SIFT, PolyPhen-2, Align-GVGD) all suggest that this variant is likely to be disruptive, but these predictions have not been confirmed by published functional studies. In summary, this variant is a novel missense change with uncertain impact on protein function. It has been classified as a Variant of Uncertain Significance.